The following is an entry in ClinVar:

ClinVar aggregate classification (germline): Pathogenic (1 of 4 stars; one submission).

Conditions:
Marfan syndrome (MFS). Also called: MARFAN SYNDROME, TYPE I; FBN1-Related Marfan Syndrome; Marfan syndrome type 1; Marfan's syndrome; Marfan syndrome, classic. Identifiers: Orphanet 284963, Orphanet 558, MedGen C0024796, MONDO:0007947, OMIM 154700.
Familial thoracic aortic aneurysm and aortic dissection (TAAD). Also called: Thoracic aortic aneurysms and dissections. Identifiers: Orphanet 91387, MedGen C4707243, MONDO:0019625.

Submission:

Labcorp Genetics (formerly Invitae), Labcorp
Classification: Pathogenic for Marfan syndrome; Familial thoracic aortic aneurysm and aortic dissection. Last evaluated: 2022-07-22. Review status: criteria provided, single submitter. Criteria: Invitae Variant Classification Sherloc (09022015). Collection method: clinical testing. Allele origin: germline.
Comment: This variant is a gross deletion of the genomic region encompassing exon(s) 3-6 of the FBN1 gene. This deletion is out-of-frame, and is expected to create a premature termination codon and result in an absent or disrupted protein product. Loss-of-function variants in FBN1 are known to be pathogenic (PMID: 17657824, 19293843). This variant has not been reported in the literature in individuals affected with FBN1-related conditions. For these reasons, this variant has been classified as Pathogenic.

Literature cited by the submitters: PubMed 17657824; PubMed 19293843.

NC_000015.9:g.(?_48888460)_(48905309_?)del

Gene: FBN1 (fibrillin 1; minus strand). Cytogenetic location: 15q21.1.
Variant type: Deletion.
Identifiers: ClinVar variation 2422453 (VCV002422453.3).